The following is an entry in ClinVar:

NM_000478.6(ALPL):c.1400T>C (p.Met467Thr)

Gene: ALPL (alkaline phosphatase, biomineralization associated; plus strand). Cytogenetic location: 1p36.12.
Variant type: single nucleotide variant.
Coding change: c.1400T>C on transcript NM_000478.6 (MANE Select); coding-DNA position 1400, T replaced by C.
Protein change: p.Met467Thr; replaces methionine 467 with threonine.
Molecular consequence: missense variant.
Genome position (GRCh38, 1-based): chr1:21,577,473, T>C. VCF-style: chr1-21577473-T-C. GRCh37 (hg19) VCF-style: chr1-21903966-T-C.
Other names: c.1400T>C (NM_000478.5); c.1235T>C, p.Met412Thr (NM_001127501.4); c.1169T>C, p.Met390Thr (NM_001177520.3); c.1400T>C, p.Met467Thr (NM_001369803.2, NM_001369804.2, NM_001369805.2); short protein forms M390T, M412T, M467T.
Identifiers: ClinVar variation 930908 (VCV000930908.12), dbSNP rs763073466, ClinGen allele CA666841.
Genomic context (GRCh38, chr1:21,577,473, plus strand): 5'-TGCCCCTGCGCCACGAGACCCACGGCGGGGAGGACGTGGCCGTCTTCTCCAAGGGCCCCA[T>C]GGCGCACCTGCTGCACGGCGTCCACGAGCAGAACTACGTCCCCCACGTGATGGCGTATGC-3'
Protein context (NP_000469.3, residues 457-477): EDVAVFSKGP[Met467Thr]AHLLHGVHEQ

ClinVar aggregate classification (germline): Conflicting classifications of pathogenicity. Review status: criteria provided, conflicting classifications (1 of 4 stars). 6 submissions from 6 submitters: Likely pathogenic (4); Uncertain significance (1). 1 of the submissions does not count toward it. Last evaluated 2026-02-03.

Conditions:
Childhood hypophosphatasia. Identifiers: Orphanet 247667, Orphanet 436, MedGen C0220743, MONDO:1010168, OMIM 241510, MONDO:0009428.
Infantile hypophosphatasia. Identifiers: Orphanet 247651, Orphanet 436, MedGen C0268412, MONDO:1010169, OMIM 241500, MONDO:0009427.
Adult hypophosphatasia. Identifiers: Orphanet 247676, Orphanet 436, MedGen C0268413, MONDO:1010154, OMIM 146300, MONDO:0007798.
Hypophosphatasia. Also called: Phosphoethanol-aminuria. Identifiers: Orphanet 436, MedGen C0020630, MeSH D007014, MONDO:0018570.

Allele frequency attached by ClinVar (database versions not stated): TOPMed below 0.00001; ExAC 0.00001.
gnomAD v4.1: 3 of 1,610,632 alleles (0.00019%); highest among the groups gnomAD compares: South Asian, 0.0011%; no homozygotes.

Submissions (6):

Myriad Genetics, Inc.
Classification: Uncertain significance for Hypophosphatasia. Last evaluated: 2026-02-03. Review status: criteria provided, single submitter. Criteria: Myriad Autosomal Dominant, Autosomal Recessive and X-Linked Classification Criteria (2023). Collection method: clinical testing. Allele origin: unknown.
Comment: NM_000478.4(ALPL):c.1400T>C(M467T) is a missense variant classified as a variant of uncertain significance in the context of hypophosphatasia. M467T has been observed in cases with relevant disease (PMID: 39983296, 32879991, 32973344, 34154874, Miras_2017(abstract), VRABI_2024(Poster)). Relevant functional assessments of this variant are not available in the literature. M467T has been observed in referenced population frequency databases. In summary, there is insufficient evidence to classify NM_000478.4(ALPL):c.1400T>C(M467T) as pathogenic or benign. Please note: this variant was assessed in the context of healthy population screening.

Genomenon, Inc
Classification: Likely pathogenic for Hypophosphatasia. Last evaluated: 2025-08-29. Review status: criteria provided, single submitter. Criteria: Genomenon Sequence Variant Interpretation Standards. Collection method: curation. Allele origin: germline. Affected: yes.
Comment: ALPL p.Met467Thr (c.1400T>C) is a missense variant that changes the amino acid at residue 467 from Methionine to Threonine. This variant has been observed in at least one proband affected with hypophosphatasia (PMID:34154874). It is absent or not present at a significant frequency in gnomAD. In silico models agree that this variant is possibly or probably damaging. The presence of pathogenic missense variant(s) at the same amino acid position indicates that this residue is likely important for protein function. In conclusion, we classify ALPL p.Met467Thr (c.1400T>C) as a likely pathogenic variant.

Labcorp Genetics (formerly Invitae), Labcorp
Classification: Likely pathogenic. Last evaluated: 2025-01-23. Review status: criteria provided, single submitter. Criteria: Invitae Variant Classification Sherloc (09022015). Collection method: clinical testing. Allele origin: germline.
Comment: This sequence change replaces methionine, which is neutral and non-polar, with threonine, which is neutral and polar, at codon 467 of the ALPL protein (p.Met467Thr). This variant is present in population databases (rs763073466, gnomAD 0.003%). This missense change has been observed in individual(s) with hypophosphatasia (PMID: 34154874). ClinVar contains an entry for this variant (Variation ID: 930908). Invitae Evidence Modeling of protein sequence and biophysical properties (such as structural, functional, and spatial information, amino acid conservation, physicochemical variation, residue mobility, and thermodynamic stability) indicates that this missense variant is expected to disrupt ALPL protein function with a positive predictive value of 95%. In summary, the currently available evidence indicates that the variant is pathogenic, but additional data are needed to prove that conclusively. Therefore, this variant has been classified as Likely Pathogenic.

Natera, Inc.
Classification: Likely pathogenic for Hypophosphatasia. Last evaluated: 2024-07-05. Review status: criteria provided, single submitter. Criteria: Natera Variant Classification Schema (03/2026). Collection method: clinical testing. Allele origin: germline.
Comment: The c.1400T>C variant in ALPL is a missense variant predicted to cause substitution of methionine to threonine at amino acid 467. This variant is rare in the general population with a frequency below the threshold expected for the associated phenotype(s). This variant has been observed in one or more individuals affected with the associated recessive disease, as either homozygous or compound heterozygous with a second variant (PMID: 34154874, 32973344). Given the available evidence, this variant is classified as Likely Pathogenic.

Fulgent Genetics
Classification: Likely pathogenic for Adult hypophosphatasia; Infantile hypophosphatasia; Childhood hypophosphatasia. Last evaluated: 2024-06-15. Review status: criteria provided, single submitter. Criteria: ACMG Guidelines, 2015. Collection method: clinical testing. Allele origin: germline.

Centre for Mendelian Genomics, University Medical Centre Ljubljana
Classification: Uncertain significance for Adult hypophosphatasia. Last evaluated: 2020-01-08. Review status: flagged submission. Criteria: ACMG Guidelines, 2015. Collection method: clinical testing. Allele origin: unknown. Affected: yes. Not counted in ClinVar's aggregate classification.
Comment: This variant was classified as: Uncertain significance. The available evidence favors the pathogenic nature of this variant, however the currently available data is insufficient to conclusively support its pathogenic nature. Thus this variant is classified as Uncertain significance - favor pathogenic. The following ACMG criteria were applied in classifying this variant: PM2,PP2,PP3,PP5.
ClinVar note: Reason: Older claim that does not account for recent evidence

Literature cited by the submitters: PubMed 34154874 (cited by 3 submitters); PubMed 32973344 (cited by Natera, Inc.).